The following is an entry in ClinVar:

NM_001365999.1(SZT2):c.6064C>T (p.Arg2022Cys)

Gene: SZT2 (SZT2 subunit of KICSTOR complex; plus strand). Cytogenetic location: 1p34.2.
Variant type: single nucleotide variant.
Coding change: c.6064C>T on transcript NM_001365999.1 (MANE Select); coding-DNA position 6064, C replaced by T.
Protein change: p.Arg2022Cys; replaces arginine 2022 with cysteine.
Molecular consequence: missense variant.
Genome position (GRCh38, 1-based): chr1:43,437,200, C>T. VCF-style: chr1-43437200-C-T. GRCh37 (hg19) VCF-style: chr1-43902871-C-T.
Other names: c.5893C>T, p.Arg1965Cys (NM_015284.4); short protein forms R1965C, R2022C.
Identifiers: ClinVar variation 655525 (VCV000655525.9), dbSNP rs766797004, ClinGen allele CA809792.

ClinVar aggregate classification (germline): Uncertain significance. Review status: criteria provided, multiple submitters, no conflicts (2 of 4 stars). 2 submissions from 2 submitters: Uncertain significance (2). Last evaluated 2026-10-07.

Conditions:
Developmental and epileptic encephalopathy, 18 (DEE18). Also called: Early infantile epileptic encephalopathy 18. Identifiers: Orphanet 369894, MedGen C3809624, MONDO:0014201, OMIM 615476.

Allele frequency attached by ClinVar (database versions not stated): TOPMed 0.00002; ExAC 0.00002; gnomAD exomes 0.00004 and 0.00003.
gnomAD v4.1: 64 of 1,614,040 alleles (0.004%); highest among the groups gnomAD compares: Non-Finnish European, 0.005%; no homozygotes.

Submissions (2):

GeneDx
Classification: Uncertain significance. Last evaluated: 2026-10-07. Review status: criteria provided, single submitter. Criteria: GeneDx Variant Classification Process June 2021. Collection method: clinical testing. Allele origin: germline.
Comment: Not observed at significant frequency in large population cohorts (gnomAD); In silico analysis supports that this missense variant has a deleterious effect on protein structure/function; Has not been previously published as pathogenic or benign to our knowledge

Labcorp Genetics (formerly Invitae), Labcorp
Classification: Uncertain significance. Last evaluated: 2024-05-21. Review status: criteria provided, single submitter. Criteria: Invitae Variant Classification Sherloc (09022015). Collection method: clinical testing. Allele origin: germline.
Comment: This sequence change replaces arginine, which is basic and polar, with cysteine, which is neutral and slightly polar, at codon 1965 of the SZT2 protein (p.Arg1965Cys). This variant is present in population databases (rs766797004, gnomAD 0.004%). This variant has not been reported in the literature in individuals affected with SZT2-related conditions. ClinVar contains an entry for this variant (Variation ID: 655525). Advanced modeling of protein sequence and biophysical properties (such as structural, functional, and spatial information, amino acid conservation, physicochemical variation, residue mobility, and thermodynamic stability) performed at Invitae indicates that this missense variant is expected to disrupt SZT2 protein function with a positive predictive value of 80%. In summary, the available evidence is currently insufficient to determine the role of this variant in disease. Therefore, it has been classified as a Variant of Uncertain Significance.